The following is an entry in ClinVar:

ClinVar aggregate classification (germline): Benign/Likely benign. Review status: criteria provided, multiple submitters, no conflicts (2 of 4 stars). 2 submissions from 2 submitters: Benign (1); Likely benign (1). Last evaluated 2026-07-01.

Conditions:
Sessile serrated polyposis cancer syndrome (SSPCS). Identifiers: Orphanet 157798, MedGen C4310714, MONDO:0014919, OMIM 617108.

Submissions (2):

Myriad Genetics, Inc.
Classification: Benign for Sessile serrated polyposis cancer syndrome. Last evaluated: 2026-07-01. Review status: criteria provided, single submitter. Criteria: Myriad Autosomal Dominant, Autosomal Recessive and X-Linked Classification Criteria (2023). Collection method: clinical testing. Allele origin: unknown.
Comment: This variant is considered benign. This variant is a silent/synonymous amino acid change and it is not expected to impact splicing.

Ambry Genetics
Classification: Likely benign. Last evaluated: 2026-05-14. Review status: criteria provided, single submitter. Criteria: Ambry Variant Classification Scheme 2023. Collection method: clinical testing. Allele origin: germline.

NM_017763.6(RNF43):c.1419C>A (p.Gly473=)

Gene: RNF43 (ring finger protein 43; minus strand). Cytogenetic location: 17q22.
Variant type: single nucleotide variant.
Coding change: c.1419C>A on transcript NM_017763.6 (MANE Select); coding-DNA position 1419, C replaced by A.
Protein change: p.Gly473=; no amino-acid change (glycine 473 retained).
Molecular consequence: synonymous variant.
Genome position (GRCh38, 1-based): chr17:58,358,357, G>T on the plus strand (C>A on the coding strand, the complement: RNF43 is on the minus strand). VCF-style: chr17-58358357-G-T. GRCh37 (hg19) VCF-style: chr17-56435718-G-T.
Other names: c.1419C>A, p.Gly473= (NM_001305544.3, NM_001438820.1, NM_001438821.1 and 1 more transcripts); c.1038C>A, p.Gly346= (NM_001305545.2, NM_001437987.1).
Identifiers: ClinVar variation 4863416 (VCV004863416.2).